The following is an entry in ClinVar:

NM_020975.6(RET):c.413A>G (p.Gln138Arg)

Gene: RET (ret proto-oncogene; plus strand). Cytogenetic location: 10q11.21.
Variant type: single nucleotide variant.
Coding change: c.413A>G on transcript NM_020975.6 (MANE Select); coding-DNA position 413, A replaced by G.
Protein change: p.Gln138Arg; replaces glutamine 138 with arginine.
Molecular consequence: missense variant. On other transcripts: intron variant (22).
Genome position (GRCh38, 1-based): chr10:43,102,417, A>G. VCF-style: chr10-43102417-A-G. GRCh37 (hg19) VCF-style: chr10-43597865-A-G.
Other names: c.413A>G, p.Gln138Arg (NM_001406743.1, NM_001406744.1, NM_001406759.1 and 14 more transcripts); c.338-54A>G (NM_001406764.1, NM_001406762.1, NM_001406761.1 and 4 more transcripts); c.337+1695A>G (NM_001406770.1, NM_001406766.1, NM_001406767.1 and 8 more transcripts); c.74-6614A>G (NM_001406784.1); c.74-9682A>G (NM_001406794.1, NM_001406792.1, NM_001406793.1); short protein forms Q138R.
Identifiers: ClinVar variation 3594487 (VCV003594487.3).

ClinVar aggregate classification (germline): Uncertain significance. Review status: criteria provided, multiple submitters, no conflicts (2 of 4 stars). 2 submissions from 2 submitters: Uncertain significance (2). Last evaluated 2024-05-21.

Conditions:
Multiple endocrine neoplasia type 2B. Also called: Multiple endocrine neoplasia, type 3; MULTIPLE ENDOCRINE NEOPLASIA, TYPE IIB; MEN IIB; NEUROMATA, MUCOSAL, WITH ENDOCRINE TUMORS; WAGENMANN-FROBOESE SYNDROME; MULTIPLE ENDOCRINE NEOPLASIA, TYPE III. Identifiers: Orphanet 247709, Orphanet 653, MedGen C0025269, MeSH D018814, MONDO:0008082, OMIM 162300.
Pheochromocytoma. Also called: MAX-Related Hereditary Paraganglioma-Pheochromocytoma Syndrome. Identifiers: Orphanet 29072, MedGen C0031511, MONDO:0008233, OMIM 171300, HP:0002666.
Familial medullary thyroid carcinoma (MTC). Also called: Thyroid cancer, familial medullary; MTC, familial; Familial Medullary Thyroid Carcinoma (FMTC). Identifiers: Orphanet 653, Orphanet 99361, MedGen C1833921, MONDO:0007958, OMIM 155240.
Hirschsprung disease, susceptibility to, 1 (HSCR1). Also called: RET-Related Hirschsprung Disease. Identifiers: Orphanet 388, MedGen C3888239, MONDO:0007723, OMIM 142623.
Multiple endocrine neoplasia type 2A. Also called: MULTIPLE ENDOCRINE NEOPLASIA, TYPE IIA; PTC SYNDROME; SIPPLE SYNDROME; MEN 2A; MEN-2A syndrome; Pheochromocytoma and amyloid producing medullary thyroid carcinoma. Identifiers: Orphanet 247698, Orphanet 653, MedGen C0025268, MeSH D018813, MONDO:0008234, OMIM 171400.
Multiple endocrine neoplasia, type 2 (MEN2). Identifiers: Orphanet 653, MedGen C4048306, MONDO:0019003. Disease mechanism: gain of function.

gnomAD v4.1: 1 of 1,614,250 alleles (0.000062%); highest among the groups gnomAD compares: Non-Finnish European, 0.000085%; no homozygotes.

Submissions (2):

Labcorp Genetics (formerly Invitae), Labcorp
Classification: Uncertain significance for Multiple endocrine neoplasia, type 2. Last evaluated: 2024-05-21. Review status: criteria provided, single submitter. Criteria: Invitae Variant Classification Sherloc (09022015). Collection method: clinical testing. Allele origin: germline.
Comment: This sequence change replaces glutamine, which is neutral and polar, with arginine, which is basic and polar, at codon 138 of the RET protein (p.Gln138Arg). This variant is not present in population databases (gnomAD no frequency). This variant has not been reported in the literature in individuals affected with RET-related conditions. An algorithm developed to predict the effect of missense changes on protein structure and function (PolyPhen-2) suggests that this variant is likely to be tolerated. In summary, the available evidence is currently insufficient to determine the role of this variant in disease. Therefore, it has been classified as a Variant of Uncertain Significance.

Fulgent Genetics
Classification: Uncertain significance for Hirschsprung disease, susceptibility to, 1; Familial medullary thyroid carcinoma; Multiple endocrine neoplasia type 2B; Pheochromocytoma; Multiple endocrine neoplasia type 2A. Last evaluated: 2024-01-16. Review status: criteria provided, single submitter. Criteria: ACMG Guidelines, 2015. Collection method: clinical testing. Allele origin: germline.